The following is an entry in ClinVar:

ClinVar aggregate classification (germline): Pathogenic. Review status: reviewed by expert panel (3 of 4 stars). 2 submissions from 2 submitters: Pathogenic (1). 1 of the submissions does not count toward it. Last evaluated 2013-09-05.

Conditions:
Lynch syndrome. Identifiers: Orphanet 144, MedGen C4552100, MONDO:0005835. Disease mechanism: loss of function.

Submissions (2):

International Society for Gastrointestinal Hereditary Tumours (InSiGHT)
Classification: Pathogenic for Lynch Syndrome. Last evaluated: 2013-09-05. Review status: reviewed by expert panel. Criteria: Guidelines v1.9. Collection method: research. Allele origin: germline.
Comment: Large deletion

Classified with v1.9 guidelines

Department of Pathology and Laboratory Medicine, Sinai Health System
Classification: Pathogenic for Hereditary nonpolyposis colon cancer. Last evaluated: 2016-10-13. Review status: criteria provided, single submitter. Criteria: ACMG Guidelines, 2015. Collection method: clinical testing. Allele origin: germline. Affected: yes. Study: The Canadian Open Genetics Repository (COGR). Not counted in ClinVar's aggregate classification.

Literature cited by the submitters: PubMed 26811195 (cited by Department of Pathology and Laboratory Medicine, Sinai Health System); PubMed 20487569 (cited by Department of Pathology and Laboratory Medicine, Sinai Health System).

NM_000179.2(MSH6):c.458-?_627+?del

Gene: MSH6 (mutS homolog 6; plus strand).
Variant type: Deletion.
Coding change: c.458-?_627+?del on transcript NM_000179.2.
Other names: c.458-?_627+?del (LRG_219t1).
Identifiers: ClinVar variation 89533 (VCV000089533.2).